The following is an entry in ClinVar:

NM_004517.4(ILK):c.649A>T (p.Ile217Phe)

Genes: TAF10 (TATA-box binding protein associated factor 10; minus strand), ILK (integrin linked kinase; plus strand). Cytogenetic location: 11p15.4.
Variant type: single nucleotide variant.
Coding change: c.649A>T on transcript NM_004517.4 (MANE Select); coding-DNA position 649, A replaced by T.
Protein change: p.Ile217Phe; replaces isoleucine 217 with phenylalanine.
Molecular consequence: missense variant. On other transcripts: 3 prime UTR variant (1).
Genome position (GRCh38, 1-based): chr11:6,609,329, A>T. VCF-style: chr11-6609329-A-T. GRCh37 (hg19) VCF-style: chr11-6630560-A-T.
Other names: c.649A>T, p.Ile217Phe (NM_001014794.3, NM_001014795.3); c.466A>T, p.Ile156Phe (NM_001278441.2); c.247A>T, p.Ile83Phe (NM_001278442.2); c.*1593T>A (NM_006284.4); short protein forms I156F, I217F, I83F.
Identifiers: ClinVar variation 2162940 (VCV002162940.4), dbSNP rs2493772028, ClinGen allele CA379461468.

ClinVar aggregate classification (germline): Uncertain significance (1 of 4 stars; one submission).

Conditions:
Primary familial hypertrophic cardiomyopathy (HCM). Identifiers: Orphanet 99739, MedGen C0949658, MeSH D024741, MONDO:0024573. Inheritance: Various modes of inheritance.

Submission:

Labcorp Genetics (formerly Invitae), Labcorp
Classification: Uncertain significance for Primary familial hypertrophic cardiomyopathy. Last evaluated: 2024-04-29. Review status: criteria provided, single submitter. Criteria: Invitae Variant Classification Sherloc (09022015). Collection method: clinical testing. Allele origin: germline.
Comment: This sequence change replaces isoleucine, which is neutral and non-polar, with phenylalanine, which is neutral and non-polar, at codon 217 of the ILK protein (p.Ile217Phe). This variant is not present in population databases (gnomAD no frequency). This variant has not been reported in the literature in individuals affected with ILK-related conditions. ClinVar contains an entry for this variant (Variation ID: 2162940). An algorithm developed to predict the effect of missense changes on protein structure and function (PolyPhen-2) suggests that this variant is likely to be disruptive. In summary, the available evidence is currently insufficient to determine the role of this variant in disease. Therefore, it has been classified as a Variant of Uncertain Significance.